The following is an entry in ClinVar:

NM_025114.4(CEP290):c.7256del (p.Ser2419fs)

Genes: CEP290 (centrosomal protein 290; minus strand), RLIG1 (RNA 5'-phosphate and 3'-OH ligase 1; plus strand). Cytogenetic location: 12q21.32.
Variant type: Deletion.
Coding change: c.7256del on transcript NM_025114.4 (MANE Select); coding-DNA position 7256, one base deleted (C; older notation c.7256delC).
Protein change: p.Ser2419fs; shifts the reading frame from serine 2419.
Molecular consequence: frameshift variant. On other transcripts: 3 prime UTR variant (1).
Genome position (GRCh38, 1-based): chr12:88,049,368, G deleted on the plus strand (C on the coding strand, the reverse complement: CEP290 is on the minus strand). VCF-style (leftmost placement, unchanged base first): chr12-88049367-TG-T. GRCh37 (hg19) VCF-style: chr12-88443144-TG-T.
Other names: c.*946del (NM_001009894.3); short protein forms S2419fs.
Identifiers: ClinVar variation 3575347 (VCV003575347.3).

ClinVar aggregate classification (germline): Conflicting classifications of pathogenicity. Review status: criteria provided, conflicting classifications (1 of 4 stars). 3 submissions from 3 submitters: Pathogenic (1); Likely pathogenic (1); Uncertain significance (1). Last evaluated 2025-05-19.

Conditions:
CEP290-related ciliopathy. Also called: CEP290 ciliopathy. Identifiers: MedGen CN305601, MONDO:0100451.
Joubert syndrome 5 (JBTS5). Identifiers: Orphanet 2318, MedGen C1857780, MONDO:0012432, OMIM 610188.
Senior-Loken syndrome 6 (SLSN6). Identifiers: Orphanet 3156, MedGen C1857779, MONDO:0012433, OMIM 610189.
Bardet-Biedl syndrome 14 (BBS14). Identifiers: Orphanet 110, MedGen C2673874, MONDO:0014442, OMIM 615991.
Leber congenital amaurosis 10 (LCA10). Identifiers: Orphanet 65, MedGen C1857821, MONDO:0012723, OMIM 611755.
Meckel syndrome, type 4 (MKS4). Also called: MECKEL-GRUBER SYNDROME, TYPE 4. Identifiers: Orphanet 564, MedGen C1970161, MONDO:0012626, OMIM 611134.

Submissions (3):

Myriad Genetics, Inc.
Classification: Pathogenic for CEP290-related ciliopathy. Last evaluated: 2025-05-19. Review status: criteria provided, single submitter. Criteria: Myriad Autosomal Dominant, Autosomal Recessive and X-Linked Classification Criteria (2023). Collection method: clinical testing. Allele origin: unknown.
Comment: NM_025114.3(CEP290):c.7256delC(S2419Yfs*17) is a frameshift variant classified as pathogenic in the context of CEP290-related disorders. S2419Yfs*17 has not been observed in cases with relevant disease. Relevant functional assessments of this variant are not available in the literature. S2419Yfs*17 has not been observed in referenced population frequency databases. In summary, NM_025114.3(CEP290):c.7256delC(S2419Yfs*17) is a frameshift variant in a gene where loss of function is a known mechanism of disease and is predicted to disrupt protein function. Please note: this variant was assessed in the context of healthy population screening.

Fulgent Genetics
Classification: Likely pathogenic for Joubert syndrome 5; Senior-Loken syndrome 6; Meckel syndrome, type 4; Leber congenital amaurosis 10; Bardet-Biedl syndrome 14. Last evaluated: 2024-06-11. Review status: criteria provided, single submitter. Criteria: ACMG Guidelines, 2015. Collection method: clinical testing. Allele origin: germline.

Department of Pathology and Laboratory Medicine, Sinai Health System
Classification: Uncertain significance for Joubert syndrome 5; Senior-Loken syndrome 6; Meckel syndrome, type 4; Leber congenital amaurosis 10; Bardet-Biedl syndrome 14. Last evaluated: 2022-05-06. Review status: criteria provided, single submitter. Criteria: ACMG Guidelines, 2015. Collection method: research. Allele origin: germline.